The following is an entry in ClinVar:

ClinVar aggregate classification (germline): Uncertain significance (1 of 4 stars; one submission).

Conditions:
Congenital disorder of glycosylation, type Ii. Also called: ALG2-congenital disorder of glycosylation; CDG Ii; ALG2-CDG. Identifiers: Orphanet 79326, MedGen C1842836, MONDO:0011933, OMIM 607906.
Congenital myasthenic syndrome 14. Also called: Myasthenic syndrome, congenital, 14, with tubular aggregates. Identifiers: Orphanet 353327, Orphanet 590, MedGen C4015597, MONDO:0014543, OMIM 616228.

Allele frequency attached by ClinVar (database versions not stated): ExAC 0.00001.

Submission:

Labcorp Genetics (formerly Invitae), Labcorp
Classification: Uncertain significance for Congenital disorder of glycosylation, type Ii; Congenital myasthenic syndrome 14. Last evaluated: 2022-08-05. Review status: criteria provided, single submitter. Criteria: Invitae Variant Classification Sherloc (09022015). Collection method: clinical testing. Allele origin: germline.
Comment: This sequence change replaces tyrosine, which is neutral and polar, with histidine, which is basic and polar, at codon 281 of the ALG2 protein (p.Tyr281His). This variant is present in population databases (rs747558025, gnomAD 0.002%). This variant has not been reported in the literature in individuals affected with ALG2-related conditions. Algorithms developed to predict the effect of missense changes on protein structure and function are either unavailable or do not agree on the potential impact of this missense change (SIFT: "Deleterious"; PolyPhen-2: "Benign"; Align-GVGD: "Class C25"). In summary, the available evidence is currently insufficient to determine the role of this variant in disease. Therefore, it has been classified as a Variant of Uncertain Significance.

NM_033087.4(ALG2):c.841T>C (p.Tyr281His)

Gene: ALG2 (ALG2 alpha-1,3/1,6-mannosyltransferase; minus strand). Cytogenetic location: 9q22.33.
Variant type: single nucleotide variant.
Coding change: c.841T>C on transcript NM_033087.4 (MANE Select); coding-DNA position 841, T replaced by C.
Protein change: p.Tyr281His; replaces tyrosine 281 with histidine.
Molecular consequence: missense variant. On other transcripts: non-coding transcript variant (1).
Genome position (GRCh38, 1-based): chr9:99,218,344, A>G on the plus strand (T>C on the coding strand, the complement: ALG2 is on the minus strand). VCF-style: chr9-99218344-A-G. GRCh37 (hg19) VCF-style: chr9-101980626-A-G.
Other names: short protein forms Y281H.
Identifiers: ClinVar variation 2163639 (VCV002163639.4), dbSNP rs747558025, ClinGen allele CA5156243.
Genomic context (GRCh38, chr9:99,218,344, plus strand): 5'-TCAAGAAGGTCACATACTGGCCAAGGTCGGACTGTTGGACCATTTTCTTCAATTCCTGAT[A>G]ATGTTCCACATTCTCCAGGACTCTCTCGTCATAACCACCTGCCACGATCAGATGAACCCT-3'
Protein context (NP_149078.1, residues 271-291): DERVLENVEH[Tyr281His]QELKKMVQQS